The following is an entry in ClinVar:

NM_001999.4(FBN2):c.2160C>T (p.Pro720=)

Gene: FBN2 (fibrillin 2; minus strand). Cytogenetic location: 5q23.3.
Variant type: single nucleotide variant.
Coding change: c.2160C>T on transcript NM_001999.4 (MANE Select); coding-DNA position 2160, C replaced by T.
Protein change: p.Pro720=; no amino-acid change (proline 720 retained).
Molecular consequence: synonymous variant.
Genome position (GRCh38, 1-based): chr5:128,369,270, G>A on the plus strand (C>T on the coding strand, the complement: FBN2 is on the minus strand). VCF-style: chr5-128369270-G-A. GRCh37 (hg19) VCF-style: chr5-127704963-G-A.
Identifiers: ClinVar variation 387940 (VCV000387940.14), dbSNP rs889188442, ClinGen allele CA16604841.

ClinVar aggregate classification (germline): Likely benign. Review status: criteria provided, multiple submitters, no conflicts (2 of 4 stars). 5 submissions from 5 submitters: Likely benign (5). Last evaluated 2026-03-05.

Conditions:
Familial thoracic aortic aneurysm and aortic dissection (TAAD). Also called: Thoracic aortic aneurysms and dissections. Identifiers: Orphanet 91387, MedGen C4707243, MONDO:0019625.
Congenital contractural arachnodactyly (CCA). Also called: BEALS SYNDROME; Beals-Hecht syndrome; Arthrogryposis, distal, type 9. Identifiers: Orphanet 115, MedGen C0220668, MONDO:0007363, OMIM 121050.

Allele frequency attached by ClinVar (database versions not stated): gnomAD 0.00001; TOPMed 0.00001; gnomAD exomes 0.00002.
gnomAD v4.1: 36 of 1,613,822 alleles (0.0022%); highest among the groups gnomAD compares: East Asian, 0.0067%; no homozygotes.

Submissions (5):

Women's Health and Genetics/Laboratory Corporation of America, LabCorp
Classification: Likely benign. Last evaluated: 2026-03-05. Review status: criteria provided, single submitter. Criteria: LabCorp Variant Classification Summary - May 2015. Collection method: clinical testing. Allele origin: germline.

Labcorp Genetics (formerly Invitae), Labcorp
Classification: Likely benign for Congenital contractural arachnodactyly. Last evaluated: 2025-12-19. Review status: criteria provided, single submitter. Criteria: Invitae Variant Classification Sherloc (09022015). Collection method: clinical testing. Allele origin: germline.

Blueprint Genetics
Classification: Likely benign. Last evaluated: 2024-07-15. Review status: criteria provided, single submitter. Criteria: ACMG Guidelines, 2015. Collection method: clinical testing. Allele origin: germline.

Ambry Genetics
Classification: Likely benign for Familial thoracic aortic aneurysm and aortic dissection. Last evaluated: 2019-07-16. Review status: criteria provided, single submitter. Criteria: Ambry Variant Classification Scheme 2023. Collection method: clinical testing. Allele origin: germline.

GeneDx
Classification: Likely benign. Last evaluated: 2016-07-21. Review status: criteria provided, single submitter. Criteria: GeneDx Variant Classification (06012015). Collection method: clinical testing. Allele origin: germline. Affected: yes.
Comment: This variant is considered likely benign or benign based on one or more of the following criteria: it is a conservative change, it occurs at a poorly conserved position in the protein, it is predicted to be benign by multiple in silico algorithms, and/or has population frequency not consistent with disease.